The following is an entry in ClinVar:

ClinVar aggregate classification (germline): Uncertain significance. Review status: criteria provided, multiple submitters, no conflicts (2 of 4 stars). 2 submissions from 2 submitters: Uncertain significance (2). Last evaluated 2026-09-17.

Conditions:
Atypical hemolytic-uremic syndrome. Identifiers: Orphanet 2134, MedGen C2931788, MONDO:0016244.
Factor H deficiency (CFHD). Also called: COMPLEMENT FACTOR H DEFICIENCY; CFH DEFICIENCY. Identifiers: Orphanet 200421, MedGen C0398777, MONDO:0012350, OMIM 609814.

gnomAD v4.1: 1 of 1,613,288 alleles (0.000062%); highest among the groups gnomAD compares: African/African-American, 0.0013%; no homozygotes.

Submissions (2):

Genomenon, Inc
Classification: Uncertain significance for Atypical hemolytic-uremic syndrome; Factor H deficiency. Last evaluated: 2026-09-17. Review status: criteria provided, single submitter. Criteria: Genomenon Sequence Variant Interpretation Standards - Updated. Collection method: curation. Allele origin: germline. Affected: yes.
Comment: CFH p.Leu74Phe (c.220C>T) is a missense variant that changes the amino acid at codon 74 from leucine to phenylalanine. This variant has been observed in at least one proband affected with a CFH-related disorder (PMID: 29888403). Functional studies have been reported (PMID: 34189567). It is absent or not present at a significant frequency in gnomAD. In silico models predict that this variant is not damaging. In conclusion, we classify CFH p.Leu74Phe (c.220C>T) as a variant of uncertain significance.

Labcorp Genetics (formerly Invitae), Labcorp
Classification: Uncertain significance. Last evaluated: 2024-08-12. Review status: criteria provided, single submitter. Criteria: Invitae Variant Classification Sherloc (09022015). Collection method: clinical testing. Allele origin: germline.
Comment: This sequence change replaces leucine, which is neutral and non-polar, with phenylalanine, which is neutral and non-polar, at codon 74 of the CFH protein (p.Leu74Phe). This variant is present in population databases (rs368835171, gnomAD 0.007%). This missense change has been observed in individual(s) with clinical features of hemolytic uremic syndrome and/or C3 glomerulopathy (PMID: 29888403). An algorithm developed to predict the effect of missense changes on protein structure and function (PolyPhen-2) suggests that this variant is likely to be disruptive. Experimental studies have shown that this missense change does not substantially affect CFH function (PMID: 34189567). In summary, the available evidence is currently insufficient to determine the role of this variant in disease. Therefore, it has been classified as a Variant of Uncertain Significance.

Literature cited by the submitters: PubMed 29888403 (cited by Genomenon, Inc and Labcorp Genetics (formerly Invitae), Labcorp); PubMed 34189567 (cited by Genomenon, Inc and Labcorp Genetics (formerly Invitae), Labcorp).

NM_000186.4(CFH):c.220C>T (p.Leu74Phe)

Gene: CFH (complement factor H; plus strand). Cytogenetic location: 1q31.3.
Variant type: single nucleotide variant.
Coding change: c.220C>T on transcript NM_000186.4 (MANE Select); coding-DNA position 220, C replaced by T.
Protein change: p.Leu74Phe; replaces leucine 74 with phenylalanine.
Molecular consequence: missense variant.
Genome position (GRCh38, 1-based): chr1:196,673,139, C>T. VCF-style: chr1-196673139-C-T. GRCh37 (hg19) VCF-style: chr1-196642269-C-T.
Other names: c.220C>T, p.Leu74Phe (NM_001014975.3); short protein forms L74F.
Identifiers: ClinVar variation 3704360 (VCV003704360.4).